The following is an entry in ClinVar:

ClinVar aggregate classification (germline): Uncertain significance (1 of 4 stars; one submission).

Conditions:
Aicardi-Goutieres syndrome 7 (AGS7). Identifiers: Orphanet 51, MedGen C3888244, MONDO:0014367, OMIM 615846.
Singleton-Merten syndrome 1 (SGMRT1). Also called: Widened medullary cavities of bone, aortic calcification, abnormal dentition, and muscular weakness; Syndrome of widened medullary cavities of the metacarpals and phalanges, aortic calcification and abnormal dentition. Identifiers: Orphanet 85191, MedGen C4225427, MONDO:0024535, OMIM 182250.

Allele frequency attached by ClinVar (database versions not stated): ExAC 0.00001; ESP Exome Variant Server 0.00008.
gnomAD v4.1: 13 of 1,609,346 alleles (0.00081%); highest among the groups gnomAD compares: Non-Finnish European, 0.0011%; no homozygotes.

Submission:

Labcorp Genetics (formerly Invitae), Labcorp
Classification: Uncertain significance for Aicardi-Goutieres syndrome 7; Singleton-Merten syndrome 1. Last evaluated: 2025-09-07. Review status: criteria provided, single submitter. Criteria: Invitae Variant Classification Sherloc (09022015). Collection method: clinical testing. Allele origin: germline.
Comment: This sequence change replaces aspartic acid, which is acidic and polar, with asparagine, which is neutral and polar, at codon 670 of the IFIH1 protein (p.Asp670Asn). This variant is present in population databases (rs370203250, gnomAD 0.003%). This variant has not been reported in the literature in individuals affected with IFIH1-related conditions. ClinVar contains an entry for this variant (Variation ID: 1383747). An algorithm developed to predict the effect of missense changes on protein structure and function outputs the following: PolyPhen-2: "Benign". The asparagine amino acid residue is found in multiple mammalian species, which suggests that this missense change does not adversely affect protein function. In summary, the available evidence is currently insufficient to determine the role of this variant in disease. Therefore, it has been classified as a Variant of Uncertain Significance.

NM_022168.4(IFIH1):c.2008G>A (p.Asp670Asn)

Gene: IFIH1 (interferon induced with helicase C domain 1; minus strand). Cytogenetic location: 2q24.2.
Variant type: single nucleotide variant.
Coding change: c.2008G>A on transcript NM_022168.4 (MANE Select); coding-DNA position 2008, G replaced by A.
Protein change: p.Asp670Asn; replaces aspartic acid 670 with asparagine.
Molecular consequence: missense variant.
Genome position (GRCh38, 1-based): chr2:162,277,451, C>T on the plus strand (G>A on the coding strand, the complement: IFIH1 is on the minus strand). VCF-style: chr2-162277451-C-T. GRCh37 (hg19) VCF-style: chr2-163133961-C-T.
Other names: short protein forms D670N.
Identifiers: ClinVar variation 1383747 (VCV001383747.8), dbSNP rs370203250, ClinGen allele CA1934333.